The following is an entry in ClinVar:

NM_001018115.3(FANCD2):c.491+10G>A

Genes: FANCD2 (FA complementation group D2; plus strand), LOC107303338 (3p25 FANCD2 Alu-mediated recombination region; plus strand). Cytogenetic location: 3p25.3.
Variant type: single nucleotide variant.
Coding change: c.491+10G>A on transcript NM_001018115.3 (MANE Select); 10 bases into the intron after coding-DNA position 491, G replaced by A.
Molecular consequence: intron variant.
Genome position (GRCh38, 1-based): chr3:10,036,349, G>A. VCF-style: chr3-10036349-G-A. GRCh37 (hg19) VCF-style: chr3-10078033-G-A.
Other names: c.491+10G>A (NM_001319984.2, NM_001374253.1, NM_033084.6 and 2 more transcripts).
Identifiers: ClinVar variation 342257 (VCV000342257.21), dbSNP rs17032279, ClinGen allele CA2249233.

ClinVar aggregate classification (germline): Conflicting classifications of pathogenicity. Review status: criteria provided, conflicting classifications (1 of 4 stars). 6 submissions from 6 submitters: Uncertain significance (1); Benign (2); Likely benign (3). Last evaluated 2026-01-19.

Conditions:
Fanconi anemia (FA). Also called: Fanconi's anemia. Identifiers: Orphanet 84, MedGen C0015625, MeSH D005199, MONDO:0019391.
Hereditary breast ovarian cancer syndrome. Also called: Hereditary breast and/or ovarian cancer syndrome; Hereditary breast and ovarian cancer syndrome (HBOC); Breast and ovarian cancer; BRCA1- and BRCA2-Associated Hereditary Breast and Ovarian Cancer; Hereditary breast and ovarian cancer; Hereditary breast and ovarian cancer syndrome. Identifiers: Orphanet 145, MedGen C0677776, MeSH D061325, MONDO:0003582. Disease mechanism: loss of function.
Fanconi anemia complementation group D2. Also called: FANCD2-Related Fanconi Anemia; FANCONI PANCYTOPENIA, TYPE 4; FANCONI ANEMIA, COMPLEMENTATION GROUP D. Identifiers: Orphanet 84, MedGen C3160738, MONDO:0009214, OMIM 227646.

Allele frequency attached by ClinVar (database versions not stated): 1000 Genomes Project 30x 0.00031; 1000 Genomes Project 0.00040; TOPMed 0.00094; ExAC 0.00098; gnomAD exomes 0.00098 and 0.00154; gnomAD 0.00103; ESP Exome Variant Server 0.00131.
gnomAD v4.1: 2,360 of 1,603,732 alleles (0.15%); highest among the groups gnomAD compares: Non-Finnish European, 0.18%; 9 homozygotes.

Submissions (6):

Labcorp Genetics (formerly Invitae), Labcorp
Classification: Benign for Fanconi anemia. Last evaluated: 2026-01-19. Review status: criteria provided, single submitter. Criteria: Invitae Variant Classification Sherloc (09022015). Collection method: clinical testing. Allele origin: germline.

Blueprint Genetics
Classification: Likely benign. Last evaluated: 2024-11-13. Review status: criteria provided, single submitter. Criteria: ACMG Guidelines, 2015. Collection method: clinical testing. Allele origin: germline.

Women's Health and Genetics/Laboratory Corporation of America, LabCorp
Classification: Benign. Last evaluated: 2022-05-16. Review status: criteria provided, single submitter. Criteria: LabCorp Variant Classification Summary - May 2015. Collection method: clinical testing. Allele origin: germline.
Comment: Variant summary: FANCD2 c.491+10G>A alters a non-conserved nucleotide located close to a canonical splice site and therefore could affect mRNA splicing, leading to a significantly altered protein sequence. 4/4 computational tools predict no significant impact on normal splicing. However, these predictions have yet to be confirmed by functional studies. The variant allele was found at a frequency of 0.00098 in 251368 control chromosomes in the gnomAD database, including 3 homozygotes. The observed variant frequency is approximately 2.0 fold of the estimated maximal expected allele frequency for a pathogenic variant in FANCD2 causing Fanconi Anemia phenotype (0.00048), strongly suggesting that the variant is benign. To our knowledge, no occurrence of c.491+10G>A in individuals affected with Fanconi Anemia and no experimental evidence demonstrating its impact on protein function have been reported. Four clinical diagnostic laboratories have submitted clinical-significance assessments for this variant to ClinVar after 2014 without evidence for independent evaluation (likely benign, n=3; VUS, n=1). Based on the evidence outlined above, the variant was classified as benign.

National Health Laboratory Service, Universitas Academic Hospital and University of the Free State
Classification: Likely benign for Hereditary breast ovarian cancer syndrome. Last evaluated: 2022-04-19. Review status: criteria provided, single submitter. Criteria: ACMG Guidelines, 2015. Collection method: clinical testing. Allele origin: germline. Affected: yes. Observed: 2 variant alleles.

Genetic Services Laboratory, University of Chicago
Classification: Likely benign. Last evaluated: 2021-06-14. Review status: criteria provided, single submitter. Criteria: ACMG Guidelines, 2015. Collection method: clinical testing. Allele origin: germline. Affected: no.

Illumina Laboratory Services, Illumina
Classification: Uncertain significance for Fanconi anemia complementation group D2. Last evaluated: 2018-01-12. Review status: criteria provided, single submitter. Criteria: ICSL Variant Classification Criteria 13 December 2019. Collection method: clinical testing. Allele origin: germline.